The following is an entry in ClinVar:

NM_003900.5(SQSTM1):c.877_899dup (p.Glu301fs)

Gene: SQSTM1 (sequestosome 1; plus strand). Cytogenetic location: 5q35.3.
Variant type: Duplication.
Coding change: c.877_899dup on transcript NM_003900.5 (MANE Select); coding-DNA positions 877 to 899, 23 bases duplicated (CCCAGCAAGCCGGGTGGGAATGT).
Protein change: p.Glu301fs; shifts the reading frame from glutamic acid 301.
Molecular consequence: frameshift variant.
Genome position (GRCh38, 1-based): chr5:179,833,154-179,833,176, CCCAGCAAGCCGGGTGGGAATGT duplicated. VCF-style (leftmost placement, unchanged base first): chr5-179833153-C-CCCCAGCAAGCCGGGTGGGAATGT. GRCh37 (hg19) VCF-style: chr5-179260153-C-CCCCAGCAAGCCGGGTGGGAATGT.
Other names: c.625_647dup, p.Glu217fs (NM_001142298.2, NM_001142299.2); short protein forms E301fs, E217fs.
Identifiers: ClinVar variation 4786092 (VCV004786092.1).

ClinVar aggregate classification (germline): Pathogenic (1 of 4 stars; one submission).

Conditions:
Frontotemporal dementia and/or amyotrophic lateral sclerosis 1 (FTDALS1). Also called: C9orf72 Frontotemporal Dementia and/or Amyotrophic Lateral Sclerosis; Frontotemporal dementia with motor neuron disease 1. Identifiers: Orphanet 275872, MedGen C5779877, MONDO:0007105, OMIM 105550.
Paget disease of bone 2, early-onset (PDB2). Also called: Paget disease of bone 2. Identifiers: MedGen C4085251, MONDO:0011183, OMIM 602080.

Submission:

Labcorp Genetics (formerly Invitae), Labcorp
Classification: Pathogenic for Paget disease of bone 2, early-onset; Frontotemporal dementia and/or amyotrophic lateral sclerosis 1. Last evaluated: 2025-09-09. Review status: criteria provided, single submitter. Criteria: Invitae Variant Classification Sherloc (09022015). Collection method: clinical testing. Allele origin: germline.
Comment: This sequence change creates a premature translational stop signal (p.Glu301Profs*19) in the SQSTM1 gene. It is expected to result in an absent or disrupted protein product. Loss-of-function variants in SQSTM1 are known to be pathogenic (PMID: 27545679, 29959261). This variant is not present in population databases (gnomAD no frequency). This variant has not been reported in the literature in individuals affected with SQSTM1-related conditions. For these reasons, this variant has been classified as Pathogenic.

Literature cited by the submitters: PubMed 27545679; PubMed 29959261.